The following is an entry in ClinVar:

NM_006197.4(PCM1):c.801G>C (p.Gln267His)

Gene: PCM1 (pericentriolar material 1; plus strand). Cytogenetic location: 8p22.
Variant type: single nucleotide variant.
Coding change: c.801G>C on transcript NM_006197.4 (MANE Select); coding-DNA position 801, G replaced by C.
Protein change: p.Gln267His; replaces glutamine 267 with histidine.
Molecular consequence: missense variant. On other transcripts: non-coding transcript variant (1).
Genome position (GRCh38, 1-based): chr8:17,947,203, G>C. VCF-style: chr8-17947203-G-C. GRCh37 (hg19) VCF-style: chr8-17804712-G-C.
Other names: c.801G>C, p.Gln267His (NM_001315507.2, NM_001315508.2, NM_001352634.2 and 18 more transcripts); c.918G>C, p.Gln306His (NM_001352632.2, NM_001352633.2, NM_001352636.2 and 7 more transcripts); short protein forms Q267H, Q306H.
Identifiers: ClinVar variation 4861674 (VCV004861674.1).
Genomic context (GRCh38, chr8:17,947,203, plus strand): 5'-ATTTTAATAGTCAGATACAAGTATTGTTGGTCTTATTTTCCAGGCCAGAGATCCTCAGCA[G>C]GAGCCTATGGAAGAGATAGAAAATTTGAAGAAACAACATGATTTATTAAAAAGAATGTTA-3'
Protein context (NP_006188.4, residues 257-277): LKKILARDPQ[Gln267His]EPMEEIENLK

ClinVar aggregate classification (germline): Uncertain significance (1 of 4 stars; one submission).

gnomAD v4.1: 17 of 1,603,952 alleles (0.0011%); highest among the groups gnomAD compares: African/African-American, 0.021%; no homozygotes.

Submission:

Ambry Genetics
Classification: Uncertain significance. Last evaluated: 2026-04-27. Review status: criteria provided, single submitter. Criteria: Ambry Variant Classification Scheme 2023. Collection method: clinical testing. Allele origin: germline.
Comment: The c.801G>C (p.Q267H) alteration is located in exon 7 (coding exon 5) of the PCM1 gene. This alteration results from a G to C substitution at nucleotide position 801, causing the glutamine (Q) at amino acid position 267 to be replaced by a histidine (H). Based on data from gnomAD, the C allele has an overall frequency of 0.002% (6/276500) total alleles studied. The highest observed frequency was 0.025% (6/24106) of African alleles. Based on insufficient or conflicting evidence, the clinical significance of this alteration remains unclear.